The following is an entry in ClinVar:

ClinVar aggregate classification (germline): Pathogenic (1 of 4 stars; one submission).

Submission:

Labcorp Genetics (formerly Invitae), Labcorp
Classification: Pathogenic. Last evaluated: 2023-07-17. Review status: criteria provided, single submitter. Criteria: Invitae Variant Classification Sherloc (09022015). Collection method: clinical testing. Allele origin: unknown.
Comment: For these reasons, this variant has been classified as Pathogenic. This variant disrupts a region of the ERCC6 protein in which other variant(s) (p.Leu536Trp) have been determined to be pathogenic (PMID: 25463447, 26791926). This suggests that this is a clinically significant region of the protein, and that variants that disrupt it are likely to be disease-causing. This variant has not been reported in the literature in individuals affected with ERCC6-related conditions. This variant is a gross deletion of the genomic region encompassing exon(s) 6-7 of the ERCC6 gene. This variant would be expected to be in-frame, preserving the integrity of the reading frame.

Literature cited by the submitters: PubMed 25463447; PubMed 26791926.

NC_000010.10:g.(?_50708564)_(50714078_?)del

Gene: ERCC6 (ERCC excision repair 6, chromatin remodeling factor; minus strand). Cytogenetic location: 10q11.23.
Variant type: Deletion.
Identifiers: ClinVar variation 3244929 (VCV003244929.1).